The following continues an entry in ClinVar:

NM_000088.4(COL1A1):c.2596G>A (p.Gly866Ser)

Gene: COL1A1. ClinVar aggregate classification (germline): Pathogenic. Pathogenic (11).

Submissions 10 to 12 of 12:

ARUP Laboratories, Molecular Genetics and Genomics, ARUP Laboratories
Classification: Pathogenic. Last evaluated: 2022-04-21. Review status: criteria provided, single submitter. Criteria: ARUP Molecular Germline Variant Investigation Process 2021. Collection method: clinical testing. Allele origin: germline.
Comment: The COL1A1 c.2596G>A; p.Gly866Ser variant (rs67445413) is reported in several individuals with osteogenesis imperfecta, including the variant occurring de novo in several individuals (Higuchi 2021, Lindahl 2015, Yin 2018, Zhytnik 2019). This variant is reported in the ClinVar database (Variation ID: 425612) and is absent from the Genome Aggregation Database, indicating it is not a common polymorphism. The glycine at codon 866 is highly conserved, and computational analyses predict that this variant is deleterious (REVEL: 0.979). This codon is located in a Gly-X-Y triple helix repeat domain, and glycine substitutions are the most frequent pathogenic alterations in this region (Ben Amor 2011). Based on available information, this variant is classified as pathogenic. References: Ben Amor I et al. Genotype-phenotype correlations in autosomal dominant osteogenesis imperfecta. J Osteoporos. 2011; 2011:540178. PMID: 21912751. Higuchi Y et al. Genetic analysis in Japanese patients with osteogenesis imperfecta: Genotype and phenotype spectra in 96 probands. Mol Genet Genomic Med. 2021 Jun;9(6):e1675. PMID: 33939306. Lindahl K et al. Genetic epidemiology, prevalence, and genotype-phenotype correlations in the Swedish population with osteogenesis imperfecta. Eur J Hum Genet. 2015 Aug;23(8):1042-50. PMID: 25944380. Yin X et al. Identification of a de novo fetal variant in osteogenesis imperfecta by targeted sequencing-based noninvasive prenatal testing. J Hum Genet. 2018 Nov;63(11):1129-1137. PMID: 30131598. Zhytnik L et al. De novo and inherited pathogenic variants in collagen-related osteogenesis imperfecta. Mol Genet Genomic Med. 2019 Mar;7(3):e559. PMID: 30675999.

Revvity Omics, Revvity
Classification: Pathogenic. Last evaluated: 2019-06-14. Review status: criteria provided, single submitter. Criteria: ACMG Guidelines, 2015. Collection method: clinical testing. Allele origin: germline.

Department of Medical Sciences, Uppsala University
Classification: Pathogenic for OI type III. Review status: no assertion criteria provided. Collection method: clinical testing. Allele origin: unknown. Affected: yes. Observed: 1 variant allele. Not counted in ClinVar's aggregate classification.

Literature cited by the submitters: PubMed 10408781 (cited by Dasa and Labcorp Genetics (formerly Invitae), Labcorp); PubMed 27509835 (cited by 4 submitters); PubMed 30675999 (cited by Dasa and Labcorp Genetics (formerly Invitae), Labcorp); PubMed 30131598 (cited by Dasa and Centre of Medical Genetics, University Hospital Muenster); PubMed 33939306 (cited by Dasa and Victorian Clinical Genetics Services, Murdoch Childrens Research Institute); PubMed 29988651 (cited by Victorian Clinical Genetics Services, Murdoch Childrens Research Institute); PubMed 12362985 (cited by Victorian Clinical Genetics Services, Murdoch Childrens Research Institute); PubMed 17078022 (cited by Victorian Clinical Genetics Services, Murdoch Childrens Research Institute and Labcorp Genetics (formerly Invitae), Labcorp); PubMed 37810882 (cited by Victorian Clinical Genetics Services, Murdoch Childrens Research Institute); PubMed 38102329 (cited by Victorian Clinical Genetics Services, Murdoch Childrens Research Institute); PubMed 20301472 (cited by Victorian Clinical Genetics Services, Murdoch Childrens Research Institute); PubMed 38828893 (cited by Victorian Clinical Genetics Services, Murdoch Childrens Research Institute); PubMed 7695699 (cited by Labcorp Genetics (formerly Invitae), Labcorp); PubMed 8218237 (cited by Labcorp Genetics (formerly Invitae), Labcorp); PubMed 19344236 (cited by Labcorp Genetics (formerly Invitae), Labcorp); PubMed 9016532 (cited by Labcorp Genetics (formerly Invitae), Labcorp); PubMed 32166892 (cited by Centre of Medical Genetics, University Hospital Muenster); PubMed 30715774 (cited by Centre of Medical Genetics, University Hospital Muenster); PubMed 34007986 (cited by Centre of Medical Genetics, University Hospital Muenster); PubMed 25944380 (cited by Department of Medical Sciences, Uppsala University).